The following is an entry in ClinVar:

NM_018344.6(SLC29A3):c.273_277dup (p.Asp93fs)

Gene: SLC29A3 (solute carrier family 29 member 3; plus strand). Cytogenetic location: 10q22.1.
Variant type: Duplication.
Coding change: c.273_277dup on transcript NM_018344.6 (MANE Select); coding-DNA positions 273 to 277, 5 bases duplicated (GGAGG; older notation c.273_277dupGGAGG).
Protein change: p.Asp93fs; shifts the reading frame from aspartic acid 93.
Molecular consequence: frameshift variant. On other transcripts: non-coding transcript variant (2).
Genome position (GRCh38, 1-based): chr10:71,323,027-71,323,031, GGAGG duplicated; duplicating any 5 consecutive bases within chr10:71,323,025-71,323,031 gives the same sequence; the c. name uses the placement nearest the transcript's 3' end. VCF-style (leftmost placement, unchanged base first): chr10-71323024-C-CGGGGA. GRCh37 (hg19) VCF-style: chr10-73082781-C-CGGGGA.
Other names: c.273_277dup, p.Asp93fs (NM_001174098.2); c.39_43dup, p.Asp15fs (NM_001363518.2); short protein forms D15fs, D93fs.
Identifiers: ClinVar variation 3727523 (VCV003727523.2).

ClinVar aggregate classification (germline): Pathogenic (1 of 4 stars; one submission).

Conditions:
H syndrome. Also called: HISTIOCYTOSIS AND LYMPHADENOPATHY WITH OR WITHOUT CUTANEOUS, CARDIAC, AND/OR ENDOCRINE FEATURES, JOINT CONTRACTURES, AND/OR DEAFNESS; HYPERPIGMENTATION, CUTANEOUS, WITH HYPERTRICHOSIS, HEPATOSPLENOMEGALY, HEART ANOMALIES, AND HYPOGONADISM WITH OR WITHOUT HEARING LOSS; PIGMENTED HYPERTRICHOSIS WITH INSULIN-DEPENDENT DIABETES MELLITUS; ROSAI-DORFMAN DISEASE, FAMILIAL; SINUS HISTIOCYTOSIS AND MASSIVE LYMPHADENOPATHY; Hyperpigmentation, Cutaneous, with Hypertrichosis, Hepatosplenomegaly, Heart Anomalies, Hearing Loss, and Hypogonadism. Identifiers: Orphanet 168569, MedGen C1864445, MONDO:0011273, OMIM 602782.

Submission:

Labcorp Genetics (formerly Invitae), Labcorp
Classification: Pathogenic for H syndrome. Last evaluated: 2024-12-17. Review status: criteria provided, single submitter. Criteria: Invitae Variant Classification Sherloc (09022015). Collection method: clinical testing. Allele origin: germline.
Comment: This sequence change creates a premature translational stop signal (p.Asp93Glyfs*10) in the SLC29A3 gene. It is expected to result in an absent or disrupted protein product. Loss-of-function variants in SLC29A3 are known to be pathogenic (PMID: 19336477, 20595384, 23406517, 25963354). This variant is not present in population databases (gnomAD no frequency). This variant has not been reported in the literature in individuals affected with SLC29A3-related conditions. For these reasons, this variant has been classified as Pathogenic.

Literature cited by the submitters: PubMed 19336477; PubMed 20595384; PubMed 23406517; PubMed 25963354.